The following is an entry in ClinVar:

NM_018684.4(ZC4H2):c.225+5G>C

Gene: ZC4H2 (zinc finger C4H2-type containing; minus strand). Cytogenetic location: Xq11.2.
Variant type: single nucleotide variant.
Coding change: c.225+5G>C on transcript NM_018684.4 (MANE Select); 5 bases into the intron after coding-DNA position 225, G replaced by C.
Molecular consequence: intron variant.
Genome position (GRCh38, 1-based): chrX:64,921,812, C>G on the plus strand (G>C on the coding strand, the complement: ZC4H2 is on the minus strand). VCF-style: chrX-64921812-C-G. GRCh37 (hg19) VCF-style: chrX-64141692-C-G.
Other names: c.156+5G>C (NM_001243804.2, NM_001178032.3); c.225+5G>C (NM_001178033.3).
Identifiers: ClinVar variation 427151 (VCV000427151.3), dbSNP rs1057520298, ClinGen allele CA645294132.

ClinVar aggregate classification (germline): Pathogenic (1 of 4 stars; one submission).

Submission:

GeneDx
Classification: Pathogenic. Last evaluated: 2019-06-07. Review status: criteria provided, single submitter. Criteria: GeneDx Variant Classification Process June 2021. Collection method: clinical testing. Allele origin: germline. Affected: yes.
Comment: Intronic +5 splice site variant in a gene for which loss-of-function is a known mechanism of disease, and both in silico predictors and evolutionary conservation support a deleterious effect; Not observed in large population cohorts (Lek et al., 2016); Has not been previously published as pathogenic or benign to our knowledge